The following is an entry in ClinVar:

NM_001367624.2(ZNF469):c.8696G>A (p.Gly2899Asp)

Gene: ZNF469 (zinc finger protein 469; plus strand). Cytogenetic location: 16q24.2.
Variant type: single nucleotide variant.
Coding change: c.8696G>A on transcript NM_001367624.2 (MANE Select); coding-DNA position 8696, G replaced by A.
Protein change: p.Gly2899Asp; replaces glycine 2899 with aspartic acid.
Molecular consequence: missense variant.
Genome position (GRCh38, 1-based): chr16:88,436,166, G>A. VCF-style: chr16-88436166-G-A. GRCh37 (hg19) VCF-style: chr16-88502574-G-A.
Other names: NM_001127464.1:c.8612G>A; short protein forms G2899D.
Identifiers: ClinVar variation 1363474 (VCV001363474.4), dbSNP rs79815243, ClinGen allele CA286384470.

ClinVar aggregate classification (germline): Conflicting classifications of pathogenicity. Review status: criteria provided, conflicting classifications (1 of 4 stars). 2 submissions from 2 submitters: Uncertain significance (1); Likely benign (1). Last evaluated 2024-03-30.

Conditions:
Cardiovascular phenotype. Identifiers: MedGen CN230736.

Allele frequency attached by ClinVar (database versions not stated): gnomAD 0.00001 and 0.00003; TOPMed 0.00001; gnomAD exomes 0.00003; 1000 Genomes Project 30x 0.00031; 1000 Genomes Project 0.00040.
gnomAD v4.1: 64 of 1,547,678 alleles (0.0041%); highest among the groups gnomAD compares: East Asian, 0.15%; 1 homozygote.

Submissions (2):

Ambry Genetics
Classification: Likely benign for Cardiovascular phenotype. Last evaluated: 2024-03-30. Review status: criteria provided, single submitter. Criteria: Ambry Variant Classification Scheme 2023. Collection method: clinical testing. Allele origin: germline.

Labcorp Genetics (formerly Invitae), Labcorp
Classification: Uncertain significance. Last evaluated: 2021-08-30. Review status: criteria provided, single submitter. Criteria: Invitae Variant Classification Sherloc (09022015). Collection method: clinical testing. Allele origin: germline.
Comment: This sequence change replaces glycine with aspartic acid at codon 2871 of the ZNF469 protein (p.Gly2871Asp). The glycine residue is moderately conserved and there is a moderate physicochemical difference between glycine and aspartic acid. This variant is not present in population databases (ExAC no frequency). This variant has not been reported in the literature in individuals affected with ZNF469-related conditions. Algorithms developed to predict the effect of missense changes on protein structure and function output the following: SIFT: "Deleterious"; PolyPhen-2: "Benign"; Align-GVGD: "Class C0". The aspartic acid amino acid residue is found in multiple mammalian species, which suggests that this missense change does not adversely affect protein function. In summary, the available evidence is currently insufficient to determine the role of this variant in disease. Therefore, it has been classified as a Variant of Uncertain Significance.